The following is an entry in ClinVar:

NM_000719.7(CACNA1C):c.3343G>A (p.Glu1115Lys)

Gene: CACNA1C (calcium voltage-gated channel subunit alpha1 C; plus strand). Cytogenetic location: 12p13.33.
Variant type: single nucleotide variant.
Coding change: c.3343G>A on transcript NM_000719.7 (MANE Select); coding-DNA position 3343, G replaced by A.
Protein change: p.Glu1115Lys; replaces glutamic acid 1115 with lysine.
Molecular consequence: missense variant.
Genome position (GRCh38, 1-based): chr12:2,607,117, G>A. VCF-style: chr12-2607117-G-A. GRCh37 (hg19) VCF-style: chr12-2716283-G-A.
Other names: c.3343G>A (LRG_334t1); c.3343G>A, p.Glu1115Lys (NM_001129841.2, NM_001129842.2, NM_001129843.2 and 15 more transcripts); c.3334G>A, p.Glu1112Lys (NM_001129844.2); c.3403G>A, p.Glu1135Lys (NM_199460.4, NM_001129827.2, NM_001129832.2); short protein forms E1115K, E1135K, E1112K.
Identifiers: ClinVar variation 67554 (VCV000067554.15), dbSNP rs199473391, ClinGen allele CA264828.
Genomic context (GRCh38, chr12:2,607,117, plus strand): 5'-AAGTTTGACTTTGACAATGTTCTGGCAGCCATGATGGCCCTCTTCACCGTCTCCACCTTC[G>A]AAGGGTGGCCAGAGTGAGTATGCAAAGCAAGGCCCCACGAGCCCTGACATTCAAGGGCCA-3'
Protein context (NP_000710.5, residues 1105-1125): MMALFTVSTF[Glu1115Lys]GWPELLYRSI

ClinVar aggregate classification (germline): Pathogenic/Likely pathogenic. Review status: criteria provided, multiple submitters, no conflicts (2 of 4 stars). 8 submissions from 8 submitters: Pathogenic (1); Likely pathogenic (4). 3 of the submissions do not count toward it. Last evaluated 2025-06-25.

Conditions:
Long QT syndrome 8. Identifiers: MedGen CN260585, MONDO:0032756, OMIM 618447.
CACNA1C-related disorder. Also called: CACNA1C-related condition; CACNA1C-related disorders. Identifiers: MedGen CN381092, MONDO:0700321.
Brugada syndrome. Also called: Sudden unexplained nocturnal death syndrome; Sudden unexpected nocturnal death syndrome; Sudden Unexplained Death Syndrome; Sudden Unexplained Nocturnal Death Syndrome (SUNDS). Identifiers: Orphanet 130, MedGen C1142166, MONDO:0015263.
Long QT syndrome (LQTS). Identifiers: MedGen C0023976, MeSH D008133, MONDO:0002442. Disease mechanism: loss of function. Inheritance: Various modes of inheritance.
Timothy syndrome (TS). Also called: LONG QT SYNDROME WITH SYNDACTYLY. Identifiers: Orphanet 65283, MedGen C1832916, MeSH C536962, MONDO:0010979, OMIM 601005.

Submissions (8):

Labcorp Genetics (formerly Invitae), Labcorp
Classification: Pathogenic for Long QT syndrome. Last evaluated: 2025-06-25. Review status: criteria provided, single submitter. Criteria: Invitae Variant Classification Sherloc (09022015). Collection method: clinical testing. Allele origin: germline.
Comment: This sequence change replaces glutamic acid, which is acidic and polar, with lysine, which is basic and polar, at codon 1115 of the CACNA1C protein (p.Glu1115Lys). This variant is not present in population databases (gnomAD no frequency). This missense change has been observed in individuals with clinical features of CACNA1C-related conditions (PMID: 20817017, 30172029, 30662450; internal data). ClinVar contains an entry for this variant (Variation ID: 67554). Invitae Evidence Modeling of protein sequence and biophysical properties (such as structural, functional, and spatial information, amino acid conservation, physicochemical variation, residue mobility, and thermodynamic stability) indicates that this missense variant is expected to disrupt CACNA1C protein function with a positive predictive value of 95%. Experimental studies have shown that this missense change affects CACNA1C function (PMID: 30172029). For these reasons, this variant has been classified as Pathogenic.

Fulgent Genetics
Classification: Likely pathogenic for Long QT syndrome 8. Last evaluated: 2025-04-22. Review status: criteria provided, single submitter. Criteria: ACMG Guidelines, 2015. Collection method: clinical testing. Allele origin: germline.
Comment: This variant has been reported in individuals with Brugada or long QT syndrome (PubMed: 20817017, 30172029, 36007726, internal cases of Victorian Clinical Genetics Services, The Royal Children’s Hospital). Functional studies suggested this change affected the protein function (PubMed:30172029, 36007726). This variant is absent from the general population, and the REVEL score indicates that the variant may have a deleterious effect on the original protein function.

GeneDx
Classification: Likely pathogenic. Last evaluated: 2024-12-27. Review status: criteria provided, single submitter. Criteria: GeneDx Variant Classification Process June 2021. Collection method: clinical testing. Allele origin: germline. Affected: yes.
Comment: Reported in an individual with Brugada syndrome; also identified in one affected sibling who experienced sudden death and in the unaffected mother (PMID: 20817017); Identified in an adolescent with LQTS, sinus bradycardia, autism spectrum disorder, and seizures (PMID: 30172029); Published in vitro functional studies suggest a damaging effect including impaired calcium current and prolonged action potential duration (PMID: 30172029); In silico analysis supports that this missense variant has a deleterious effect on protein structure/function; Not observed at significant frequency in large population cohorts (gnomAD); This variant is associated with the following publications: (PMID: 30662450, 30821013, 30172029, 36007726, 20817017)

Victorian Clinical Genetics Services, Murdoch Childrens Research Institute
Classification: Likely pathogenic for Long QT syndrome 8. Last evaluated: 2024-10-09. Review status: criteria provided, single submitter. Criteria: ACMG Guidelines, 2015. Collection method: clinical testing. Allele origin: germline. Inheritance: Autosomal dominant inheritance. Affected: yes.
Comment: Based on the classification scheme VCGS_Germline_v1.3.5, this variant is classified as Likely pathogenic. Following criteria are met: 0103 - Loss of function and gain of function are known mechanisms of disease in this gene. Loss-of-function variants are associated with neurodevelopmental disorder with hypotonia, language delay, and skeletal defects with or without seizures, AD (MIM#620029) (PMID: 34163037). Gain-of-function missense variants result in loss of channel inactivation and increased current, and are associated with long QT syndrome 8 (MIM#618447) and Timothy syndrome (MIM#601005, PMID: 25260352). (I) 0107 - This gene is associated with autosomal dominant disease. (I) 0115 - Variants in this gene are known to have variable expressivity. Parents with the same variant as their affected child have been observed to have a less severe phenotype (PMID: 34163037). (I) 0200 - Variant is predicted to result in a missense amino acid change from glutamic acid to lysine. (I) 0251 - This variant is heterozygous. (I) 0301 - Variant is absent from gnomAD (v2, v3 and v4). (SP) 0501 - Missense variant consistently predicted to be damaging by multiple in silico tools or highly conserved with a major amino acid change. (SP) 0601 - Variant is located in the well-established functional DIII-S5/S6 pore-forming region. Glu1115 forms part of the calcium channel ion selectivity filter (PMID: 30172029). (SP) 0710 – Another missense variant comparable to the one identified in this case has inconclusive previous evidence for pathogenicity. p.(Glu1115Gly) has been reported as a VUS by a clinical testing laboratory (ClinVar). (I) 0802 - This variant has moderate previous evidence of pathogenicity in unrelated individuals. This variant has been identified in six individuals with long QT syndrome and an individual with Brugada syndrome; however, it has been classified as a VUS in most cases (VCGS, ClinVar, PMIDs: 36007726, 30172029, 20817017). (SP) 0906 - Segregation evidence for this variant is inconclusive. This variant has been identified in both affected and unaffected family members (VCGS, PMIDs: 20817017, 36007726). (I) 1002 - This variant has moderate functional evidence supporting abnormal protein function. Patch clamp functional studies indicate that this variant impairs the calcium ion selectivity of the channel, that results in an increased permeability to monovalent cations (PMIDs: 36007726, 30172029). However, patch clamp assays have been shown to be unreliable, therefore results from these studies are used with caution during variant classification. (I) 1208 - Inheritance information for this variant is not currently available in this individual. (I) Legend: (SP) - Supporting pathogenic, (I) - Information, (SB) - Supporting benign

Blueprint Genetics
Classification: Likely pathogenic for CACNA1C-related disorders. Last evaluated: 2021-10-11. Review status: criteria provided, single submitter. Criteria: ACMG Guidelines, 2015. Collection method: clinical testing. Allele origin: germline. Affected: yes. Observed: 2 variant alleles.

OMIM
Classification: Pathogenic for TIMOTHY SYNDROME. Last evaluated: 2022-09-29. Review status: no assertion criteria provided. Collection method: literature only. Allele origin: germline. Not counted in ClinVar's aggregate classification.

Cardiovascular Biomedical Research Unit, Royal Brompton & Harefield NHS Foundation Trust
No classification provided. Condition: Brugada syndrome. Review status: no classification provided. Collection method: literature only. Allele origin: germline. Not counted in ClinVar's aggregate classification.
Comment: This variant has been reported as associated with Brugada syndrome in the following publications (PMID:20817017). This is a literature report, and does not necessarily reflect the clinical interpretation of the Imperial College / Royal Brompton Cardiovascular Genetics laboratory.

GeneReviews
No classification provided. Condition: Timothy syndrome. Review status: no classification provided. Collection method: literature only. Allele origin: germline. Not counted in ClinVar's aggregate classification.
Comment: Brugada syndrome

Literature cited by the submitters: PubMed 20817017 (cited by 5 submitters); PubMed 30172029 (cited by 4 submitters); PubMed 30662450 (cited by Labcorp Genetics (formerly Invitae), Labcorp); PubMed 36007726 (cited by Fulgent Genetics and Victorian Clinical Genetics Services, Murdoch Childrens Research Institute); PubMed 25260352 (cited by Victorian Clinical Genetics Services, Murdoch Childrens Research Institute); PubMed 34163037 (cited by Victorian Clinical Genetics Services, Murdoch Childrens Research Institute); PubMed 22581653 (cited by Cardiovascular Biomedical Research Unit, Royal Brompton & Harefield NHS Foundation Trust); NCBI Bookshelf NBK1403 (cited by GeneReviews).